The following is an entry in ClinVar:

NM_004364.5(CEBPA):c.51C>A (p.Ser17Arg)

Gene: CEBPA (CCAAT enhancer binding protein alpha; minus strand). Cytogenetic location: 19q13.11.
Variant type: single nucleotide variant.
Coding change: c.51C>A on transcript NM_004364.5 (MANE Select); coding-DNA position 51, C replaced by A.
Protein change: p.Ser17Arg; replaces serine 17 with arginine.
Molecular consequence: missense variant. On other transcripts: 5 prime UTR variant (1).
Genome position (GRCh38, 1-based): chr19:33,302,364, G>T on the plus strand (C>A on the coding strand, the complement: CEBPA is on the minus strand). VCF-style: chr19-33302364-G-T. GRCh37 (hg19) VCF-style: chr19-33793270-G-T.
Other names: c.-307C>A (NM_001285829.2); c.156C>A, p.Ser52Arg (NM_001287424.2); c.9C>A, p.Ser3Arg (NM_001287435.2); c.51C>A (NM_004364.3); short protein forms S17R, S52R, S3R.
Identifiers: ClinVar variation 456689 (VCV000456689.10), dbSNP rs1245499278, ClinGen allele CA405275780.

ClinVar aggregate classification (germline): Conflicting classifications of pathogenicity. Review status: criteria provided, conflicting classifications (1 of 4 stars). 2 submissions from 2 submitters: Uncertain significance (1); Likely benign (1). Last evaluated 2025-08-12.

Conditions:
Inborn genetic diseases. Identifiers: MedGen C0950123, MeSH D030342.
Acute myeloid leukemia (AML). Also called: Leukemia, acute myeloid, somatic; Leukemia, acute myelogenous, somatic; Acute myeloid leukemia, adult; AML adult; Acute non-lymphocytic leukemia; Acute granulocytic leukemia. Identifiers: Orphanet 519, MedGen C0023467, MeSH D015470, MONDO:0018874, OMIM 601626, HP:0004808. Disease mechanism: Constitutively activated FLT3.

Allele frequency attached by ClinVar (database versions not stated): gnomAD 0.00001; gnomAD exomes 0.00001; TOPMed 0.00001.

Submissions (2):

Ambry Genetics
Classification: Likely benign for Inborn genetic diseases. Last evaluated: 2025-08-12. Review status: criteria provided, single submitter. Criteria: Ambry Variant Classification Scheme 2023. Collection method: clinical testing. Allele origin: germline.

Labcorp Genetics (formerly Invitae), Labcorp
Classification: Uncertain significance for Acute myeloid leukemia. Last evaluated: 2025-05-05. Review status: criteria provided, single submitter. Criteria: Invitae Variant Classification Sherloc (09022015). Collection method: clinical testing. Allele origin: germline.
Comment: This sequence change replaces serine, which is neutral and polar, with arginine, which is basic and polar, at codon 17 of the CEBPA protein (p.Ser17Arg). The frequency data for this variant in the population databases is considered unreliable, as metrics indicate poor data quality at this position in the gnomAD database. This variant has not been reported in the literature in individuals affected with CEBPA-related conditions. ClinVar contains an entry for this variant (Variation ID: 456689). Invitae Evidence Modeling of protein sequence and biophysical properties (such as structural, functional, and spatial information, amino acid conservation, physicochemical variation, residue mobility, and thermodynamic stability) indicates that this missense variant is not expected to disrupt CEBPA protein function with a negative predictive value of 80%. In summary, the available evidence is currently insufficient to determine the role of this variant in disease. Therefore, it has been classified as a Variant of Uncertain Significance.